The following is an entry in ClinVar:

NM_024312.5(GNPTAB):c.1498A>T (p.Asn500Tyr)

Gene: GNPTAB (N-acetylglucosamine-1-phosphate transferase subunits alpha and beta; minus strand). Cytogenetic location: 12q23.2.
Variant type: single nucleotide variant.
Coding change: c.1498A>T on transcript NM_024312.5 (MANE Select); coding-DNA position 1498, A replaced by T.
Protein change: p.Asn500Tyr; replaces asparagine 500 with tyrosine.
Molecular consequence: missense variant.
Genome position (GRCh38, 1-based): chr12:101,766,205, T>A on the plus strand (A>T on the coding strand, the complement: GNPTAB is on the minus strand). VCF-style: chr12-101766205-T-A. GRCh37 (hg19) VCF-style: chr12-102159983-T-A.
Other names: short protein forms N500Y.
Identifiers: ClinVar variation 1508850 (VCV001508850.6), dbSNP rs2137119160, ClinGen allele CA386301274.
Genomic context (GRCh38, chr12:101,766,205, plus strand): 5'-CACAGAACTTATCAGCGAGCCAGGAATTCGCACATCCCTGATTACAGTAAGAGACACTGT[T>A]TATTCCTCCACCAAACTGCCAGGGCTGTCCAACTCCAATACTCCCAGTACCTCCACCTCC-3'
Protein context (NP_077288.2, residues 490-510): GQPWQFGGGI[Asn500Tyr]SVSYCNQGCA

ClinVar aggregate classification (germline): Uncertain significance (1 of 4 stars; one submission).

Conditions:
Pseudo-Hurler polydystrophy. Also called: ML III; ML III ALPHA/BETA; Type III Mucolipidosis; ML IIIA; Mucolipidosis III Alpha/Beta; MUCOLIPIDOSIS IIIA. Identifiers: Orphanet 423461, Orphanet 577, MedGen C0033788, MONDO:0018931, OMIM 252600.
Mucolipidosis type II. Also called: ML II ALPHA/BETA; Mucolipidosis 2; ML 2; Inclusion cell disease; Leroy Disease; N-acetylglucosamine 1phosphotransferase deficiency. Identifiers: Orphanet 576, MedGen C2673377, MONDO:0009650, OMIM 252500.

Submission:

Labcorp Genetics (formerly Invitae), Labcorp
Classification: Uncertain significance for Pseudo-Hurler polydystrophy; Mucolipidosis type II. Last evaluated: 2021-11-21. Review status: criteria provided, single submitter. Criteria: Invitae Variant Classification Sherloc (09022015). Collection method: clinical testing. Allele origin: germline.
Comment: In summary, the available evidence is currently insufficient to determine the role of this variant in disease. Therefore, it has been classified as a Variant of Uncertain Significance. Advanced modeling of protein sequence and biophysical properties (such as structural, functional, and spatial information, amino acid conservation, physicochemical variation, residue mobility, and thermodynamic stability) performed at Invitae indicates that this missense variant is not expected to disrupt GNPTAB protein function. This variant has not been reported in the literature in individuals affected with GNPTAB-related conditions. This variant is not present in population databases (gnomAD no frequency). This sequence change replaces asparagine, which is neutral and polar, with tyrosine, which is neutral and polar, at codon 500 of the GNPTAB protein (p.Asn500Tyr).